The following is an entry in ClinVar:

NM_000551.4(VHL):c.189G>A (p.Leu63=)

Gene: VHL (von Hippel-Lindau tumor suppressor; plus strand). Cytogenetic location: 3p25.3.
Variant type: single nucleotide variant.
Coding change: c.189G>A on transcript NM_000551.4 (MANE Select); coding-DNA position 189, G replaced by A.
Protein change: p.Leu63=; no amino-acid change (leucine 63 retained).
Molecular consequence: synonymous variant.
Genome position (GRCh38, 1-based): chr3:10,142,036, G>A. VCF-style: chr3-10142036-G-A. GRCh37 (hg19) VCF-style: chr3-10183720-G-A.
Other names: c.189G>A, p.Leu63= (NM_001354723.2, NM_198156.3).
Identifiers: ClinVar variation 753130 (VCV000753130.12), dbSNP rs1575921711, ClinGen allele CA432536389.

ClinVar aggregate classification (germline): Benign/Likely benign. Review status: criteria provided, multiple submitters, no conflicts (2 of 4 stars). 3 submissions from 3 submitters: Benign (1); Likely benign (2). Last evaluated 2025-06-10.

Conditions:
Chuvash polycythemia. Also called: POLYCYTHEMIA, VHL-DEPENDENT. Identifiers: Orphanet 238557, MedGen C1837915, MONDO:0009892, OMIM 263400.
Von Hippel-Lindau syndrome (VHLS). Also called: VHL syndrome; Von Hippel-Lindau; von Hippel–Lindau syndrome. Identifiers: Orphanet 892, MedGen C0019562, MONDO:0008667, OMIM 193300. Disease mechanism: loss of function.
Hereditary cancer-predisposing syndrome. Also called: Tumor predisposition; Hereditary Cancer Syndrome; Neoplastic Syndromes, Hereditary; Hereditary neoplastic syndrome. Identifiers: Orphanet 140162, MedGen C0027672, MeSH D009386, MONDO:0015356.

Allele frequency attached by ClinVar (database versions not stated): TOPMed below 0.00001.

Submissions (3):

Myriad Genetics, Inc.
Classification: Benign for Von Hippel-Lindau syndrome. Last evaluated: 2025-06-10. Review status: criteria provided, single submitter. Criteria: Myriad Autosomal Dominant, Autosomal Recessive and X-Linked Classification Criteria (2023). Collection method: clinical testing. Allele origin: unknown.
Comment: This variant is considered benign. This variant is a silent/synonymous amino acid change and it is not expected to impact splicing.

Ambry Genetics
Classification: Likely benign for Hereditary cancer-predisposing syndrome. Last evaluated: 2024-03-21. Review status: criteria provided, single submitter. Criteria: Ambry Variant Classification Scheme 2023. Collection method: clinical testing. Allele origin: germline.

Labcorp Genetics (formerly Invitae), Labcorp
Classification: Likely benign for Von Hippel-Lindau syndrome; Chuvash polycythemia. Last evaluated: 2018-09-18. Review status: criteria provided, single submitter. Criteria: Invitae Variant Classification Sherloc (09022015). Collection method: clinical testing. Allele origin: germline.